The following is an entry in ClinVar:

NM_015559.3(SETBP1):c.3775T>A (p.Cys1259Ser)

Gene: SETBP1 (SET binding protein 1; plus strand). Cytogenetic location: 18q12.3.
Variant type: single nucleotide variant.
Coding change: c.3775T>A on transcript NM_015559.3 (MANE Select); coding-DNA position 3775, T replaced by A.
Protein change: p.Cys1259Ser; replaces cysteine 1259 with serine.
Molecular consequence: missense variant.
Genome position (GRCh38, 1-based): chr18:44,953,115, T>A. VCF-style: chr18-44953115-T-A. GRCh37 (hg19) VCF-style: chr18-42533080-T-A.
Other names: c.3775T>A, p.Cys1259Ser (NM_001379141.1, NM_001379142.1); short protein forms C1259S.
Identifiers: ClinVar variation 1388697 (VCV001388697.6), dbSNP rs2071401943, ClinGen allele CA402325162.
Genomic context (GRCh38, chr18:44,953,115, plus strand): 5'-GCCCAGCATTGGACACAGGCCAAGGAAAAAGGAGACTTGAGCAGTGAGCCTGTGGACTCA[T>A]GCACGAAAAGATACTCTGGCAGTGGCGGGGATGGTGGCAGCACGAGATCAGAGAACCTGG-3'
Protein context (NP_056374.2, residues 1249-1269): GDLSSEPVDS[Cys1259Ser]TKRYSGSGGD

ClinVar aggregate classification (germline): Uncertain significance (1 of 4 stars; one submission).

Submission:

Labcorp Genetics (formerly Invitae), Labcorp
Classification: Uncertain significance. Last evaluated: 2021-10-22. Review status: criteria provided, single submitter. Criteria: Invitae Variant Classification Sherloc (09022015). Collection method: clinical testing. Allele origin: germline.
Comment: Algorithms developed to predict the effect of missense changes on protein structure and function are either unavailable or do not agree on the potential impact of this missense change (SIFT: "Deleterious"; PolyPhen-2: "Probably Damaging"; Align-GVGD: "Class C0"). In summary, the available evidence is currently insufficient to determine the role of this variant in disease. Therefore, it has been classified as a Variant of Uncertain Significance. This variant has not been reported in the literature in individuals affected with SETBP1-related conditions. This sequence change replaces cysteine with serine at codon 1259 of the SETBP1 protein (p.Cys1259Ser). The cysteine residue is highly conserved and there is a moderate physicochemical difference between cysteine and serine. This variant is not present in population databases (ExAC no frequency).